The following is an entry in ClinVar:

ClinVar aggregate classification (germline): Likely benign (1 of 4 stars; one submission).

Conditions:
Hereditary breast ovarian cancer syndrome. Also called: Hereditary breast and ovarian cancer syndrome (HBOC); BRCA1- and BRCA2-Associated Hereditary Breast and Ovarian Cancer; Hereditary breast and/or ovarian cancer syndrome; Hereditary breast and ovarian cancer syndrome; Hereditary breast and ovarian cancer; Breast and ovarian cancer. Identifiers: Orphanet 145, MedGen C0677776, MeSH D061325, MONDO:0003582. Disease mechanism: loss of function.

Submissions (2):

Labcorp Genetics (formerly Invitae), Labcorp
Classification: Likely benign for Hereditary breast ovarian cancer syndrome. Last evaluated: 2024-07-09. Review status: criteria provided, single submitter. Criteria: Invitae Variant Classification Sherloc (09022015). Collection method: clinical testing. Allele origin: germline.

Brotman Baty Institute, University of Washington
No classification provided (evidence only). Condition: Breast-ovarian cancer, familial 1. Review status: no classification provided. Collection method: in vitro. Allele origin: not applicable. Functional consequence: functionally_normal. Not counted in ClinVar's aggregate classification.
ClinVar note: "not provided" was previously submitted as the classification for the variant. However, the classification appeared to be based only on an observation of functional data so it was converted to no classification on 2025-07-30.

NM_007294.4(BRCA1):c.5075-9A>C

Gene: BRCA1 (BRCA1 DNA repair associated; minus strand). Cytogenetic location: 17q21.31.
Variant type: single nucleotide variant.
Coding change: c.5075-9A>C on transcript NM_007294.4 (MANE Select); 9 bases into the intron before coding-DNA position 5075, A replaced by C.
Molecular consequence: intron variant.
Genome position (GRCh38, 1-based): chr17:43,063,960, T>G on the plus strand (A>C on the coding strand, the complement: BRCA1 is on the minus strand). VCF-style: chr17-43063960-T-G. GRCh37 (hg19) VCF-style: chr17-41215977-T-G.
Other names: c.1622-9A>C (NM_001408458.1, NM_001408461.1, NM_001408464.1 and 7 more transcripts); c.4184-9A>C (NM_001407967.1); c.4694-9A>C (NM_001407959.1); c.4808-9A>C (NM_001407931.1, NM_001407932.1, NM_001407928.1 and 4 more transcripts); c.4931-9A>C (NM_001407747.1, NM_001407745.1, NM_001407737.1 and 21 more transcripts); c.4691-9A>C (NM_001407962.1, NM_001407960.1); c.1262-9A>C (NM_001408512.1); c.1385-9A>C (NM_001408510.1); and 73 more.
Identifiers: ClinVar variation 462661 (VCV000462661.14), dbSNP rs80358059, ClinGen allele CA658656680.